The following is an entry in ClinVar:

ClinVar aggregate classification (germline): Uncertain significance (1 of 4 stars; one submission).

Conditions:
Achondrogenesis, type IA (ACG1A). Identifiers: Orphanet 932, Orphanet 93299, MedGen C0265273, MONDO:0008701, OMIM 200600.

gnomAD v4.1: 8 of 1,614,188 alleles (0.0005%); highest among the groups gnomAD compares: Non-Finnish European, 0.00068%; no homozygotes.

Submission:

Labcorp Genetics (formerly Invitae), Labcorp
Classification: Uncertain significance for Achondrogenesis, type IA. Last evaluated: 2025-04-26. Review status: criteria provided, single submitter. Criteria: Invitae Variant Classification Sherloc (09022015). Collection method: clinical testing. Allele origin: germline.
Comment: This sequence change replaces valine, which is neutral and non-polar, with isoleucine, which is neutral and non-polar, at codon 1930 of the TRIP11 protein (p.Val1930Ile). This variant is present in population databases (rs773809031, gnomAD 0.0009%). This variant has not been reported in the literature in individuals affected with TRIP11-related conditions. Invitae Evidence Modeling of protein sequence and biophysical properties (such as structural, functional, and spatial information, amino acid conservation, physicochemical variation, residue mobility, and thermodynamic stability) indicates that this missense variant is not expected to disrupt TRIP11 protein function with a negative predictive value of 80%. In summary, the available evidence is currently insufficient to determine the role of this variant in disease. Therefore, it has been classified as a Variant of Uncertain Significance.

NM_004239.4(TRIP11):c.5788G>A (p.Val1930Ile)

Gene: TRIP11 (thyroid hormone receptor interactor 11; minus strand). Cytogenetic location: 14q32.12.
Variant type: single nucleotide variant.
Coding change: c.5788G>A on transcript NM_004239.4 (MANE Select); coding-DNA position 5788, G replaced by A.
Protein change: p.Val1930Ile; replaces valine 1930 with isoleucine.
Molecular consequence: missense variant.
Genome position (GRCh38, 1-based): chr14:91,969,825, C>T on the plus strand (G>A on the coding strand, the complement: TRIP11 is on the minus strand). VCF-style: chr14-91969825-C-T. GRCh37 (hg19) VCF-style: chr14-92436169-C-T.
Other names: c.5785G>A, p.Val1929Ile (NM_001321851.1); short protein forms V1929I, V1930I.
Identifiers: ClinVar variation 4774821 (VCV004774821.1).